The following is an entry in ClinVar:

ClinVar aggregate classification (germline): Uncertain significance (1 of 4 stars; one submission).

Conditions:
Inborn genetic diseases. Identifiers: MedGen C0950123, MeSH D030342.

Submission:

Ambry Genetics
Classification: Uncertain significance for Inborn genetic diseases. Last evaluated: 2025-02-19. Review status: criteria provided, single submitter. Criteria: Ambry Variant Classification Scheme 2023. Collection method: clinical testing. Allele origin: germline.
Comment: The p.P15R variant (also known as c.44C>G), located in coding exon 1 of the SH2B3 gene, results from a C to G substitution at nucleotide position 44. The proline at codon 15 is replaced by arginine, an amino acid with dissimilar properties. This amino acid position is conserved. In addition, this alteration is predicted to be tolerated by in silico analysis. Based on the available evidence, the clinical significance of this variant remains unclear.

NM_005475.3(SH2B3):c.44C>G (p.Pro15Arg)

Gene: SH2B3 (SH2B adaptor protein 3; plus strand). Cytogenetic location: 12q24.12.
Variant type: single nucleotide variant.
Coding change: c.44C>G on transcript NM_005475.3 (MANE Select); coding-DNA position 44, C replaced by G.
Protein change: p.Pro15Arg; replaces proline 15 with arginine.
Molecular consequence: missense variant.
Genome position (GRCh38, 1-based): chr12:111,418,189, C>G. VCF-style: chr12-111418189-C-G. GRCh37 (hg19) VCF-style: chr12-111855993-C-G.
Other names: short protein forms P15R.
Identifiers: ClinVar variation 3795209 (VCV003795209.1).